The following is an entry in ClinVar:

NM_006031.6(PCNT):c.5648G>A (p.Arg1883Gln)

Gene: PCNT (pericentrin; plus strand). Cytogenetic location: 21q22.3.
Variant type: single nucleotide variant.
Coding change: c.5648G>A on transcript NM_006031.6 (MANE Select); coding-DNA position 5648, G replaced by A.
Protein change: p.Arg1883Gln; replaces arginine 1883 with glutamine.
Molecular consequence: missense variant.
Genome position (GRCh38, 1-based): chr21:46,411,721, G>A. VCF-style: chr21-46411721-G-A. GRCh37 (hg19) VCF-style: chr21-47831635-G-A.
Other names: c.5294G>A, p.Arg1765Gln (NM_001315529.2); short protein forms R1883Q, R1765Q.
Identifiers: ClinVar variation 340504 (VCV000340504.7), dbSNP rs770575971, ClinGen allele CA10080048.
Genomic context (GRCh38, chr21:46,411,721, plus strand): 5'-TGAAAGCAAAGGAAGCGACGATTGCCGAGAGAAATTTAGAAATCGACGCTCTGAACCAGC[G>A]GAAGGCGGCCCACTCTGCCGAGCTGGAGGCCGTCCTGTTGGCCTTGGCCCGCATCCGCCG-3'
Protein context (NP_006022.3, residues 1873-1893): RNLEIDALNQ[Arg1883Gln]KAAHSAELEA

ClinVar aggregate classification (germline): Uncertain significance. Review status: criteria provided, multiple submitters, no conflicts (2 of 4 stars). 3 submissions from 3 submitters: Uncertain significance (3). Last evaluated 2025-02-07.

Conditions:
PCNT-related disorder. Also called: PCNT-related condition.
Microcephalic osteodysplastic primordial dwarfism type II (MOPD2). Also called: OSTEODYSPLASTIC PRIMORDIAL DWARFISM, TYPE II; Microcephalic osteodysplastic primordial dwarfism with tooth abnormalities; MOPD II. Identifiers: Orphanet 2637, MedGen C0432246, MONDO:0008872, OMIM 210720.

Allele frequency attached by ClinVar (database versions not stated): ExAC 0.00002; gnomAD exomes 0.00002; gnomAD 0.00003; TOPMed 0.00003.
gnomAD v4.1: 15 of 1,612,228 alleles (0.00093%); highest among the groups gnomAD compares: African/African-American, 0.013%; no homozygotes.

Submissions (3):

PreventionGenetics, part of Exact Sciences
Classification: Uncertain significance for PCNT-related condition. Last evaluated: 2025-02-07. Review status: criteria provided, single submitter. Criteria: ACMG Guidelines, 2015. Collection method: clinical testing. Allele origin: germline.
Comment: The PCNT c.5648G>A variant is predicted to result in the amino acid substitution p.Arg1883Gln. To our knowledge, this variant has not been reported in the literature. This variant is reported in 0.013% of alleles in individuals of African descent in gnomAD. At this time, the clinical significance of this variant is uncertain due to the absence of conclusive functional and genetic evidence.

GeneDx
Classification: Uncertain significance. Last evaluated: 2024-07-25. Review status: criteria provided, single submitter. Criteria: GeneDx Variant Classification Process June 2021. Collection method: clinical testing. Allele origin: germline. Affected: yes.
Comment: Not observed at significant frequency in large population cohorts (gnomAD); In silico analysis indicates that this missense variant does not alter protein structure/function; Has not been previously published as pathogenic or benign to our knowledge

Illumina Laboratory Services, Illumina
Classification: Uncertain significance for Microcephalic osteodysplastic primordial dwarfism type II. Last evaluated: 2018-01-12. Review status: criteria provided, single submitter. Criteria: ICSL Variant Classification Criteria 13 December 2019. Collection method: clinical testing. Allele origin: germline.